The following is an entry in ClinVar:

NM_001114753.3(ENG):c.1268A>G (p.Asn423Ser)

Genes: ENG (endoglin; minus strand), LOC102723566 (uncharacterized LOC102723566; plus strand). Cytogenetic location: 9q34.11.
Variant type: single nucleotide variant.
Coding change: c.1268A>G on transcript NM_001114753.3 (MANE Select); coding-DNA position 1268, A replaced by G.
Protein change: p.Asn423Ser; replaces asparagine 423 with serine.
Molecular consequence: missense variant.
Genome position (GRCh38, 1-based): chr9:127,819,904, T>C on the plus strand (A>G on the coding strand, the complement: ENG is on the minus strand). VCF-style: chr9-127819904-T-C. GRCh37 (hg19) VCF-style: chr9-130582183-T-C.
Other names: NM_001114753.3(ENG):c.1268A>G; p.Asn423Ser; c.1268A>G (NM_000118.2, NM_001114753.1); c.1268A>G, p.Asn423Ser (NM_000118.4); c.722A>G, p.Asn241Ser (NM_001278138.2); short protein forms N241S, N423S.
Identifiers: ClinVar variation 982495 (VCV000982495.14), dbSNP rs1830431553, ClinGen allele CA374978246.
Genomic context (GRCh38, chr9:127,819,904, plus strand): 5'-ACCTGAGGGGGCACCAACCAGGCTGGTCCTGATACCTTTTTGGCCCCAGCTCTTACCTCA[T>C]TGCTGATCATACTTGCTGACACCTGCATGCCACAGCTGGAGTAAGCACTGCGCAAGACAA-3'
Protein context (NP_001108225.1, residues 413-433): GMQVSASMIS[Asn423Ser]EAVVNILSSS

ClinVar aggregate classification (germline): Likely pathogenic. Review status: reviewed by expert panel (3 of 4 stars). 7 submissions from 7 submitters: Likely pathogenic (1). 6 of the submissions do not count toward it. Last evaluated 2024-11-12.

Conditions:
Cardiovascular phenotype. Identifiers: MedGen CN230736.
Telangiectasia, hereditary hemorrhagic, type 1 (HHT1). Also called: Osler Weber Rendu syndrome type 1; ENG-Related Hereditary Hemorrhagic Telangiectasia. Identifiers: Orphanet 774, MedGen C4551861, MONDO:0008535, OMIM 187300. Disease mechanism: loss of function.
Hereditary hemorrhagic telangiectasia (HHT). Also called: ORW DISEASE; Osler Weber Rendu syndrome; OSLER-RENDU-WEBER DISEASE; Osler hemorrhagic telangiectasia syndrome. Identifiers: Orphanet 774, MedGen C0039445, MONDO:0019180. Disease mechanism: loss of function.
ENG-related disorder. Also called: ENG-related disorders; ENG-related condition.

Allele frequency attached by ClinVar (database versions not stated): gnomAD exomes below 0.00001.

Submissions (7):

ClinGen Hereditary Hemorrhagic Telangiectasia Variant Curation Expert Panel, ClinGen
Classification: Likely pathogenic for Telangiectasia, hereditary hemorrhagic, type 1. Last evaluated: 2024-11-12. Review status: reviewed by expert panel. Criteria: ClinGen HHT ACMG Specifications ENG V1.1.0. Collection method: curation. Allele origin: germline. Inheritance: Autosomal dominant inheritance.
Comment: The NM_001114753.3: c.1268A>G variant in ENG is a missense variant predicted to cause substitution of asparagine by serine at amino acid 423 (p.Asn423Ser). This variant has been reported in more than 4 probands with a phenotype consistent with HHT (PS4; PMID: 32573726, Internal lab contributors). At least one patient's phenotype meets Curacao Criteria for HHT, and sequencing and large deletion/duplication analysis was performed for ENG and ACVRL1, which is highly specific for HHT (PP4_Moderate; PMID: 34872578). This variant is absent from gnomAD v.2.1.1 (PM2_Supporting). The computational predictor REVEL gives a score of 0.490, which is neither above nor below the thresholds predicting a damaging or benign impact on ENG function. In summary, this variant meets the criteria to be classified as likely pathogenic for autosomal dominant hereditary hemorrhagic telangiectasia based on the ACMG/AMP criteria applied, as specified by the ClinGen Hereditary Hemorrhagic Telangiectasia Variant Curation Expert Panel: PS4, PP4_Moderate, PM2_Supporting (specifications version 1.1.0; 11/12/2024).

PreventionGenetics, part of Exact Sciences
Classification: Likely pathogenic for ENG-related condition. Last evaluated: 2026-11-05. Review status: criteria provided, single submitter. Criteria: ACMG Guidelines, 2015. Collection method: clinical testing. Allele origin: germline. Not counted in ClinVar's aggregate classification.
Comment: This variant has been reported in an individual with pulmonary arterial hypertension (Song et al. 2016. PubMed ID: 27613157) and in an individual with hereditary hemorrhagic telangiectasia (HHT, Kitayama et al. 2021. PubMed ID: 34872578). This variant has not been reported in a large population database (gnomAD), indicating it is rare. This variant is classified as likely pathogenic by the ClinGen Hereditary Hemorrhagic Telangiectasia Variant Curation Expert Panel in ClinVar (Variation ID: 982495). This variant is interpreted as likely pathogenic.

Labcorp Genetics (formerly Invitae), Labcorp
Classification: Pathogenic for Hereditary hemorrhagic telangiectasia. Last evaluated: 2025-10-27. Review status: criteria provided, single submitter. Criteria: Invitae Variant Classification Sherloc (09022015). Collection method: clinical testing. Allele origin: germline. Not counted in ClinVar's aggregate classification.
Comment: This sequence change replaces asparagine, which is neutral and polar, with serine, which is neutral and polar, at codon 423 of the ENG protein (p.Asn423Ser). This variant is not present in population databases (gnomAD no frequency). This missense change has been observed in individual(s) with hereditary hemorrhagic telangiectasia (PMID: 34872578; internal data). ClinVar contains an entry for this variant (Variation ID: 982495). Invitae Evidence Modeling of protein sequence and biophysical properties (such as structural, functional, and spatial information, amino acid conservation, physicochemical variation, residue mobility, and thermodynamic stability) indicates that this missense variant is expected to disrupt ENG protein function with a positive predictive value of 95%. This variant disrupts the p.Asn423 amino acid residue in ENG. Other variant(s) that disrupt this residue have been determined to be pathogenic (internal data). This suggests that this residue is clinically significant, and that variants that disrupt this residue are likely to be disease-causing. For these reasons, this variant has been classified as Pathogenic.

Ambry Genetics
Classification: Likely pathogenic for Cardiovascular phenotype. Last evaluated: 2024-09-02. Review status: criteria provided, single submitter. Criteria: Ambry Variant Classification Scheme 2023. Collection method: clinical testing. Allele origin: germline. Not counted in ClinVar's aggregate classification.
Comment: The p.N423S variant (also known as c.1268A>G), located in coding exon 9 of the ENG gene, results from an A to G substitution at nucleotide position 1268. The asparagine at codon 423 is replaced by serine, an amino acid with highly similar properties. This variant has been detected in multiple individuals meeting clinical criteria for hereditary hemorrhagic telangiectasia (HHT) or with features consistent with HHT, and segregated with disease in at least one family (Song J et al. Clin Sci (Lond), 2016 Nov;130:2043-2052; Shovlin CL et al. Blood, 2020 Oct;136:1907-1918; Kitayama K et al. BMC Med Genomics, 2021 Dec;14:288; external communication; Ambry internal data). This amino acid position is highly conserved in available vertebrate species. In addition, this alteration is predicted to be tolerated by in silico analysis. This variant is considered to be rare based on population cohorts in the Genome Aggregation Database (gnomAD). Based on the majority of available evidence to date, this variant is likely to be pathogenic.

GeneDx
Classification: Uncertain significance. Last evaluated: 2021-05-20. Review status: criteria provided, single submitter. Criteria: GeneDx Variant Classification Process June 2021. Collection method: clinical testing. Allele origin: germline. Affected: yes. Not counted in ClinVar's aggregate classification.
Comment: Observed in an individual with pulmonary arterial hypertension (Song et al., 2016); Not observed in large population cohorts (Lek et al., 2016); Published functional studies demonstrate subcellular localization of the endoglin protein similar to wild type (Ali et al., 2011); In silico analysis supports that this missense variant has a deleterious effect on protein structure/function; This variant is associated with the following publications: (PMID: 22022569, 27613157)

Genetic Services Laboratory, University of Chicago
Classification: Uncertain significance. Last evaluated: 2018-04-03. Review status: criteria provided, single submitter. Criteria: ACMG Guidelines, 2015. Collection method: clinical testing. Allele origin: germline. Affected: no. Not counted in ClinVar's aggregate classification.

NIHR Bioresource Rare Diseases, University of Cambridge
Classification: Likely pathogenic for Telangiectasia, hereditary hemorrhagic, type 1. Last evaluated: 2018-01-01. Review status: criteria provided, single submitter. Criteria: ACMG Guidelines, 2015. Collection method: research. Allele origin: unknown. Affected: yes. Observed: 1 variant allele. Not counted in ClinVar's aggregate classification.
Comment: PM2+PP3+PP4

Literature cited by the submitters: PubMed 34872578 (cited by Labcorp Genetics (formerly Invitae), Labcorp and Ambry Genetics); PubMed 27613157 (cited by Ambry Genetics); PubMed 32573726 (cited by Ambry Genetics and NIHR Bioresource Rare Diseases, University of Cambridge).